The following is an entry in ClinVar:

NM_058195.4(CDKN2A):c.166G>A (p.Gly56Arg)

Gene: CDKN2A (cyclin dependent kinase inhibitor 2A; minus strand). Cytogenetic location: 9p21.3.
Variant type: single nucleotide variant.
Coding change: c.166G>A on transcript NM_058195.4 (MANE Plus Clinical); coding-DNA position 166, G replaced by A.
Protein change: p.Gly56Arg; replaces glycine 56 with arginine.
Molecular consequence: missense variant. On other transcripts: intron variant (1).
Genome position (GRCh38, 1-based): chr9:21,994,166, C>T on the plus strand (G>A on the coding strand, the complement: CDKN2A is on the minus strand). VCF-style: chr9-21994166-C-T. GRCh37 (hg19) VCF-style: chr9-21994165-C-T.
Other names: c.-4+655G>A (NM_001363763.2); short protein forms G56R.
Identifiers: ClinVar variation 942398 (VCV000942398.8), dbSNP rs1820527345, ClinGen allele CA373086818.

ClinVar aggregate classification (germline): Uncertain significance. Review status: criteria provided, multiple submitters, no conflicts (2 of 4 stars). 2 submissions from 2 submitters: Uncertain significance (2). Last evaluated 2021-07-14.

Conditions:
Familial melanoma. Also called: Hereditary melanoma; Hereditary cutaneous melanoma. Identifiers: Orphanet 618, MedGen C1512419, MONDO:0018961.
Hereditary cancer-predisposing syndrome. Also called: Tumor predisposition; Neoplastic Syndromes, Hereditary; Hereditary neoplastic syndrome; Hereditary Cancer Syndrome. Identifiers: Orphanet 140162, MedGen C0027672, MeSH D009386, MONDO:0015356.

Submissions (2):

Labcorp Genetics (formerly Invitae), Labcorp
Classification: Uncertain significance for Familial melanoma. Last evaluated: 2021-07-14. Review status: criteria provided, single submitter. Criteria: Invitae Variant Classification Sherloc (09022015). Collection method: clinical testing. Allele origin: germline.

Ambry Genetics
Classification: Uncertain significance for Hereditary cancer-predisposing syndrome. Last evaluated: 2020-09-24. Review status: criteria provided, single submitter. Criteria: Ambry Variant Classification Scheme 2023. Collection method: clinical testing. Allele origin: germline.
Comment: The p.G56R variant (also known as c.166G>A), located in coding exon 1b of the CDKN2A gene, results from a G to A substitution at nucleotide position 166 of the p14-encoding isoform. The glycine at codon 56 is replaced by arginine, an amino acid with dissimilar properties. Of note, this alteration does not impact the p16-encoding isoform. This amino acid position is not well conserved in available vertebrate species. In addition, this alteration is predicted to be tolerated by in silico analysis. Since supporting evidence is limited at this time, the clinical significance of this alteration remains unclear.